The following is an entry in ClinVar:

ClinVar aggregate classification (germline): Pathogenic/Likely pathogenic. Review status: criteria provided, multiple submitters, no conflicts (2 of 4 stars). 4 submissions from 4 submitters: Pathogenic (1); Likely pathogenic (3). Last evaluated 2024-09-09.

Conditions:
Autosomal recessive nonsyndromic hearing loss 18A. Also called: Deafness, autosomal recessive 18A; DEAFNESS, AUTOSOMAL RECESSIVE 18. Identifiers: Orphanet 90636, MedGen C1865870, MONDO:0011192, OMIM 602092.
Usher syndrome type 1C. Also called: USHER SYNDROME, TYPE I, ACADIAN VARIETY. Identifiers: Orphanet 231169, Orphanet 886, MedGen C1848604, MONDO:0010171, OMIM 276904.

Allele frequency attached by ClinVar (database versions not stated): TOPMed below 0.00001.
gnomAD v4.1: 2 of 1,614,072 alleles (0.00012%); highest among the groups gnomAD compares: Non-Finnish European, 0.000085%; no homozygotes.

Submissions (4):

Natera, Inc.
Classification: Likely pathogenic for Usher syndrome type 1C. Last evaluated: 2024-09-09. Review status: criteria provided, single submitter. Criteria: Natera Variant Classification Schema (03/2026). Collection method: clinical testing. Allele origin: germline.
Comment: The c.1134G>A variant in USH1C is a nonsense variant predicted to introduce a stop codon at amino acid 378. This variant is expected to result in nonsense mediated decay, truncation, or a dysfunctional protein product. This variant is rare in the general population with a frequency below the threshold expected for the associated phenotype(s). Given the available evidence, this variant is classified as Likely Pathogenic.

Baylor Genetics
Classification: Likely pathogenic for Autosomal recessive nonsyndromic hearing loss 18A. Last evaluated: 2023-09-04. Review status: criteria provided, single submitter. Criteria: ACMG Guidelines, 2015. Collection method: clinical testing. Allele origin: unknown.

Labcorp Genetics (formerly Invitae), Labcorp
Classification: Pathogenic. Last evaluated: 2023-08-10. Review status: criteria provided, single submitter. Criteria: Invitae Variant Classification Sherloc (09022015). Collection method: clinical testing. Allele origin: germline.
Comment: This sequence change creates a premature translational stop signal (p.Trp378*) in the USH1C gene. It is expected to result in an absent or disrupted protein product. Loss-of-function variants in USH1C are known to be pathogenic (PMID: 10973247, 17407589, 20301442, 21203349). For these reasons, this variant has been classified as Pathogenic. This variant is not present in population databases (gnomAD no frequency). This variant has not been reported in the literature in individuals affected with USH1C-related conditions. ClinVar contains an entry for this variant (Variation ID: 640495).

Juno Genomics, Hangzhou Juno Genomics, Inc
Classification: Likely pathogenic for Usher syndrome type 1C; Autosomal recessive nonsyndromic hearing loss 18A. Review status: criteria provided, single submitter. Criteria: ACMG Guidelines, 2015. Collection method: clinical testing. Allele origin: germline.
Comment: Absent from controls (or at extremely low frequency if recessive) in Genome Aggregation Database.;Null variant in a gene where loss of function (LOF) is a known mechanism of disease.

Literature cited by the submitters: PubMed 10973247 (cited by Labcorp Genetics (formerly Invitae), Labcorp); PubMed 17407589 (cited by Labcorp Genetics (formerly Invitae), Labcorp); PubMed 20301442 (cited by Labcorp Genetics (formerly Invitae), Labcorp); PubMed 21203349 (cited by Labcorp Genetics (formerly Invitae), Labcorp).

NM_153676.4(USH1C):c.1134G>A (p.Trp378Ter)

Gene: USH1C (USH1 protein network component harmonin; minus strand). Cytogenetic location: 11p15.1.
Variant type: single nucleotide variant.
Coding change: c.1134G>A on transcript NM_153676.4 (MANE Select); coding-DNA position 1134, G replaced by A.
Protein change: p.Trp378Ter; replaces tryptophan 378 with a stop codon.
Molecular consequence: nonsense. On other transcripts: non-coding transcript variant (1).
Genome position (GRCh38, 1-based): chr11:17,520,946, C>T on the plus strand (G>A on the coding strand, the complement: USH1C is on the minus strand). VCF-style: chr11-17520946-C-T. GRCh37 (hg19) VCF-style: chr11-17542493-C-T.
Other names: c.1077G>A, p.Trp359Ter (NM_001297764.2); c.1134G>A, p.Trp378Ter (NM_005709.4); short protein forms W359*, W378*.
Identifiers: ClinVar variation 640495 (VCV000640495.10), dbSNP rs1591999307, ClinGen allele CA379784542.